The following is an entry in ClinVar:

NM_001112726.3(CEP170B):c.342G>A (p.Lys114=)

Gene: CEP170B (centrosomal protein 170B; plus strand). Cytogenetic location: 14q32.33.
Variant type: single nucleotide variant.
Coding change: c.342G>A on transcript NM_001112726.3 (MANE Select); coding-DNA position 342, G replaced by A.
Protein change: p.Lys114=; no amino-acid change (lysine 114 retained).
Molecular consequence: synonymous variant.
Genome position (GRCh38, 1-based): chr14:104,880,295, G>A. VCF-style: chr14-104880295-G-A. GRCh37 (hg19) VCF-style: chr14-105346632-G-A.
Other names: c.132G>A, p.Lys44= (NM_015005.3).
Identifiers: ClinVar variation 3056165 (VCV003056165.2), dbSNP rs72700176, ClinGen allele CA7375253.
Genomic context (GRCh38, chr14:104,880,295, plus strand): 5'-GGTTCCTCCTGAGGCTGGGCCCAGTACCTCACCCCGCCTGGCCTGCCCACAGCATGAAAA[G>A]TACACCAGCCAGCTGCAGGTGAGCGTGAAGGGTTTGGCGCCCAAGAGGAGCGAGGCACTG-3'
Protein context (NP_001106197.1, residues 104-124): RVPEEALKHE[Lys114=]YTSQLQVSVK

ClinVar aggregate classification (germline): Benign (0 of 4 stars; one submission).

Conditions:
CEP170B-related disorder. Also called: CEP170B-related condition.

Allele frequency attached by ClinVar (database versions not stated): ESP Exome Variant Server 0.02475; TOPMed 0.02735; gnomAD 0.02830; 1000 Genomes Project 0.02915; 1000 Genomes Project 30x 0.03014; gnomAD exomes 0.03473; ExAC 0.06189.
gnomAD v4.1: 54,563 of 1,600,126 alleles (3.4%); highest among the groups gnomAD compares: Middle Eastern, 5.4%; 1,085 homozygotes.

Submission:

PreventionGenetics, part of Exact Sciences
Classification: Benign for CEP170B-related condition. Last evaluated: 2020-02-27. Review status: no assertion criteria provided. Collection method: clinical testing. Allele origin: germline.
Comment: This variant is classified as benign based on ACMG/AMP sequence variant interpretation guidelines (Richards et al. 2015 PMID: 25741868, with internal and published modifications).